The following is an entry in ClinVar:

NM_000245.4(MET):c.577A>C (p.Ile193Leu)

Gene: MET (MET proto-oncogene, receptor tyrosine kinase; plus strand). Cytogenetic location: 7q31.2.
Variant type: single nucleotide variant.
Coding change: c.577A>C on transcript NM_000245.4 (MANE Select); coding-DNA position 577, A replaced by C.
Protein change: p.Ile193Leu; replaces isoleucine 193 with leucine.
Molecular consequence: missense variant. On other transcripts: intron variant (1).
Genome position (GRCh38, 1-based): chr7:116,699,661, A>C. VCF-style: chr7-116699661-A-C. GRCh37 (hg19) VCF-style: chr7-116339715-A-C.
Other names: c.577A>C, p.Ile193Leu (NM_001127500.3, NM_001324401.3); c.-91+27084A>C (NM_001324402.2); c.577A>C (NM_001127500.1); short protein forms I193L.
Identifiers: ClinVar variation 1051887 (VCV001051887.10), dbSNP rs747138607, ClinGen allele CA4448007.
Genomic context (GRCh38, chr7:116,699,661, plus strand): 5'-CCTGACTGTGTGGTGAGCGCCCTGGGAGCCAAAGTCCTTTCATCTGTAAAGGACCGGTTC[A>C]TCAACTTCTTTGTAGGCAATACCATAAATTCTTCTTATTTCCCAGATCATCCATTGCATT-3'
Protein context (NP_000236.2, residues 183-203): KVLSSVKDRF[Ile193Leu]NFFVGNTINS

ClinVar aggregate classification (germline): Uncertain significance. Review status: criteria provided, multiple submitters, no conflicts (2 of 4 stars). 2 submissions from 2 submitters: Uncertain significance (2). Last evaluated 2024-05-30.

Conditions:
Hereditary cancer-predisposing syndrome. Also called: Tumor predisposition; Hereditary neoplastic syndrome; Hereditary Cancer Syndrome; Neoplastic Syndromes, Hereditary. Identifiers: Orphanet 140162, MedGen C0027672, MeSH D009386, MONDO:0015356.
Renal cell carcinoma. Identifiers: Orphanet 217071, MedGen C0007134, MeSH D002292, MONDO:0005086, HP:0005584.

Allele frequency attached by ClinVar (database versions not stated): gnomAD exomes below 0.00001; ExAC 0.00001.
gnomAD v4.1: 1 of 1,614,082 alleles (0.000062%); highest among the groups gnomAD compares: South Asian, 0.0011%; no homozygotes.

Submissions (2):

Ambry Genetics
Classification: Uncertain significance for Hereditary cancer-predisposing syndrome. Last evaluated: 2024-05-30. Review status: criteria provided, single submitter. Criteria: Ambry Variant Classification Scheme 2023. Collection method: clinical testing. Allele origin: germline.

Labcorp Genetics (formerly Invitae), Labcorp
Classification: Uncertain significance for Renal cell carcinoma. Last evaluated: 2021-03-21. Review status: criteria provided, single submitter. Criteria: Invitae Variant Classification Sherloc (09022015). Collection method: clinical testing. Allele origin: germline.
Comment: In summary, the available evidence is currently insufficient to determine the role of this variant in disease. Therefore, it has been classified as a Variant of Uncertain Significance. Algorithms developed to predict the effect of missense changes on protein structure and function output the following: SIFT: "Tolerated"; PolyPhen-2: "Benign"; Align-GVGD: "Class C0". The leucine amino acid residue is found in multiple mammalian species, suggesting that this missense change does not adversely affect protein function. These predictions have not been confirmed by published functional studies and their clinical significance is uncertain. This variant has not been reported in the literature in individuals with MET-related conditions. This variant is present in population databases (rs747138607, ExAC 0.006%). This sequence change replaces isoleucine with leucine at codon 193 of the MET protein (p.Ile193Leu). The isoleucine residue is moderately conserved and there is a small physicochemical difference between isoleucine and leucine.